The following is an entry in ClinVar:

ClinVar aggregate classification (germline): Benign (1 of 4 stars; one submission).

Allele frequency attached by ClinVar (database versions not stated): TOPMed 0.05477; gnomAD 0.05639 and 0.05893; 1000 Genomes Project 0.05751; 1000 Genomes Project 30x 0.05809.
gnomAD v4.1: 8,970 of 152,198 alleles (5.9%); highest among the groups gnomAD compares: South Asian, 13%; 353 homozygotes.

Submission:

GeneDx
Classification: Benign. Last evaluated: 2018-06-14. Review status: criteria provided, single submitter. Criteria: GeneDx Variant Classification (06012015). Collection method: clinical testing. Allele origin: germline. Affected: yes.
Comment: This variant is considered likely benign or benign based on one or more of the following criteria: it is a conservative change, it occurs at a poorly conserved position in the protein, it is predicted to be benign by multiple in silico algorithms, and/or has population frequency not consistent with disease.

NM_032119.4(ADGRV1):c.8567-289G>C

Gene: ADGRV1 (adhesion G protein-coupled receptor V1; plus strand). Cytogenetic location: 5q14.3.
Variant type: single nucleotide variant.
Coding change: c.8567-289G>C on transcript NM_032119.4 (MANE Select); 289 bases into the intron before coding-DNA position 8567, G replaced by C.
Molecular consequence: intron variant.
Genome position (GRCh38, 1-based): chr5:90,705,942, G>C. VCF-style: chr5-90705942-G-C. GRCh37 (hg19) VCF-style: chr5-90001759-G-C.
Identifiers: ClinVar variation 676392 (VCV000676392.1), dbSNP rs764212, ClinGen allele CA11936544.